The following is an entry in ClinVar:

GRCh38/hg38 22q11.21(chr22:18178957-20324240)x3

Genes: ARVCF (ARVCF delta catenin family member; minus strand), C22orf39 (chromosome 22 open reading frame 39; minus strand), CCDC188 (coiled-coil domain containing 188; minus strand), CDC45 (cell division cycle 45; plus strand), CLDN5 (claudin 5; minus strand) and 118 more. Cytogenetic location: 22q11.21.
Variant type: copy number gain.
Change: copy number 3 (three copies instead of two) of chr22:18,178,957-20,324,240 (2.15 Mb, GRCh38 coordinates, 1-based), cytogenetic band 22q11.21.
Identifiers: ClinVar variation 57452 (VCV000057452.1).

ClinVar aggregate classification (germline): Pathogenic (1 of 4 stars; one submission).

Submission:

ISCA site 4
Classification: Pathogenic. Last evaluated: 2011-08-12. Review status: criteria provided, single submitter. Criteria: Kaminsky et al. (Genet Med. 2011). Collection method: clinical testing. Allele origin: maternal. Affected: yes. Observed: 1 variant allele.
Comment: Copy number variation identified through the course of routine clinical cytogenomic testing in postnatal populations. Clinical assertions have been curated as described in Kaminsky et al. 2011.